The following is an entry in ClinVar:

NM_182925.5(FLT4):c.985+1G>A

Gene: FLT4 (fms related receptor tyrosine kinase 4; minus strand). Cytogenetic location: 5q35.3.
Variant type: single nucleotide variant.
Coding change: c.985+1G>A on transcript NM_182925.5 (MANE Select); the canonical splice donor site of the intron after coding-DNA position 985, G replaced by A.
Molecular consequence: splice donor variant.
Genome position (GRCh38, 1-based): chr5:180,629,258, C>T on the plus strand (G>A on the coding strand, the complement: FLT4 is on the minus strand). VCF-style: chr5-180629258-C-T. GRCh37 (hg19) VCF-style: chr5-180056258-C-T.
Other names: c.985+1G>A (NM_001354989.2, NM_002020.5).
Identifiers: ClinVar variation 3390372 (VCV003390372.1).

ClinVar aggregate classification (germline): Pathogenic (1 of 4 stars; one submission).

Conditions:
Congenital heart defects, multiple types, 7. Identifiers: MedGen C5394062, MONDO:0032913, OMIM 618780.

Submission:

Center for Medical Genetics Ghent, University of Ghent
Classification: Pathogenic for Congenital heart defects, multiple types, 7. Review status: criteria provided, single submitter. Criteria: ACMG Guidelines, 2015. Collection method: clinical testing. Allele origin: paternal. Inheritance: Autosomal dominant inheritance. Affected: yes.
Comment: - PM2: the variant is absent in Gnomad - PP4_PM: the phenotype is very specific - PVS1_PS: NMD confirmed via cDNA analysis - PS3_PP: functional studies show a detrimental effect at the mRNA or protein level - PP1: the variant segregates with the disease in multiple (additional) affected family members

Literature cited by the submitters: PubMed 38713105; PubMed 28991257; PubMed 30232381.